The following is an entry in ClinVar:

NM_020719.3(PRR12):c.3969_3984dup (p.Thr1329fs)

Gene: PRR12 (proline rich 12; plus strand). Cytogenetic location: 19q13.33.
Variant type: Duplication.
Coding change: c.3969_3984dup on transcript NM_020719.3 (MANE Select); coding-DNA positions 3969 to 3984, 16 bases duplicated (GCCCCAGCCCCCTGCC).
Protein change: p.Thr1329fs; shifts the reading frame from threonine 1329.
Molecular consequence: frameshift variant.
Genome position (GRCh38, 1-based): chr19:49,599,562-49,599,577, GCCCCAGCCCCCTGCC duplicated. VCF-style (leftmost placement, unchanged base first): chr19-49599561-A-AGCCCCAGCCCCCTGCC. GRCh37 (hg19) VCF-style: chr19-50102818-A-AGCCCCAGCCCCCTGCC.
Other names: short protein forms T1329fs.
Identifiers: ClinVar variation 3256557 (VCV003256557.1).

ClinVar aggregate classification (germline): Likely pathogenic (1 of 4 stars; one submission).

Conditions:
Neuroocular syndrome 1 (NOC1). Identifiers: Orphanet 659904, MedGen C5925133, MONDO:0971007, OMIM 619539.

Submission:

Laboratory of Medical Genetics, National & Kapodistrian University of Athens
Classification: Likely pathogenic for Neuroocular syndrome 1. Last evaluated: 2023-09-01. Review status: criteria provided, single submitter. Criteria: ACMG Guidelines, 2015. Collection method: clinical testing. Allele origin: de novo. Affected: yes.
Comment: PVS1, PM2 - Low frequency in gnomAD population databases. Loss-of-function is a known mechanism of disease for this gene (PMID: 33824499)